The following is an entry in ClinVar:

NM_030962.4(SBF2):c.5004C>G (p.Thr1668=)

Genes: SBF2 (SET binding factor 2; minus strand), SBF2-AS1 (SBF2 antisense RNA 1; plus strand), LOC105369149 (uncharacterized LOC105369149; plus strand). Cytogenetic location: 11p15.4.
Variant type: single nucleotide variant.
Coding change: c.5004C>G on transcript NM_030962.4 (MANE Select); coding-DNA position 5004, C replaced by G.
Protein change: p.Thr1668=; no amino-acid change (threonine 1668 retained).
Molecular consequence: synonymous variant.
Genome position (GRCh38, 1-based): chr11:9,787,667, G>C on the plus strand (C>G on the coding strand, the complement: SBF2 is on the minus strand). VCF-style: chr11-9787667-G-C. GRCh37 (hg19) VCF-style: chr11-9809214-G-C.
Other names: c.5100C>G, p.Thr1700= (NM_001386339.1); c.4875C>G, p.Thr1625= (NM_001386342.1).
Identifiers: ClinVar variation 696379 (VCV000696379.17), dbSNP rs150598413, ClinGen allele CA5880844.

ClinVar aggregate classification (germline): Conflicting classifications of pathogenicity. Review status: criteria provided, conflicting classifications (1 of 4 stars). 4 submissions from 4 submitters: Uncertain significance (1); Likely benign (3). Last evaluated 2026-06-01.

Conditions:
Charcot-Marie-Tooth disease type 4. Also called: Charcot-Marie-Tooth disease, type IV; Charcot-Marie-Tooth, Type 4. Identifiers: Orphanet 64749, MedGen C4082197, MONDO:0018995.
Charcot-Marie-Tooth disease type 4B2. Also called: Charcot-Marie-Tooth Neuropathy Type 4B2; CHARCOT-MARIE-TOOTH DISEASE, DEMYELINATING, TYPE 4B2; CMT 4B2; CHARCOT-MARIE-TOOTH DISEASE, WITH FOCALLY FOLDED MYELIN SHEATHS, AUTOSOMAL RECESSIVE, TYPE 4B2. Identifiers: Orphanet 99956, MedGen C1858278, MONDO:0011475, OMIM 604563.

Allele frequency attached by ClinVar (database versions not stated): ESP Exome Variant Server 0.00031; TOPMed 0.00033; 1000 Genomes Project 0.00040; 1000 Genomes Project 30x 0.00062.
gnomAD v4.1: 123 of 1,614,168 alleles (0.0076%); highest among the groups gnomAD compares: African/African-American, 0.083%; no homozygotes.

Submissions (4):

CeGaT Center for Human Genetics Tuebingen
Classification: Likely benign. Last evaluated: 2026-06-01. Review status: criteria provided, single submitter. Criteria: CeGaT Center For Human Genetics Tuebingen Variant Classification Criteria Version 2. Collection method: clinical testing. Allele origin: germline. Affected: yes. Observed: 1 variant allele.
Comment: SBF2: BP4, BP7

Labcorp Genetics (formerly Invitae), Labcorp
Classification: Likely benign for Charcot-Marie-Tooth disease type 4. Last evaluated: 2025-12-01. Review status: criteria provided, single submitter. Criteria: Invitae Variant Classification Sherloc (09022015). Collection method: clinical testing. Allele origin: germline.

Blueprint Genetics
Classification: Likely benign. Last evaluated: 2024-10-15. Review status: criteria provided, single submitter. Criteria: ACMG Guidelines, 2015. Collection method: clinical testing. Allele origin: germline.

Illumina Laboratory Services, Illumina
Classification: Uncertain significance for Charcot-Marie-Tooth disease type 4B2. Last evaluated: 2018-01-13. Review status: criteria provided, single submitter. Criteria: ICSL Variant Classification Criteria 13 December 2019. Collection method: clinical testing. Allele origin: germline.